The following is an entry in ClinVar:

ClinVar aggregate classification (germline): Uncertain significance (1 of 4 stars; one submission).

Conditions:
Autosomal dominant hypocalcemia 1 (HYPOC1). Also called: HYPOCALCEMIA, FAMILIAL. Identifiers: MedGen C3715128, MONDO:0011013, OMIM 601198.
Familial hypocalciuric hypercalcemia (FHH). Also called: Familial benign hypercalcemia. Identifiers: Orphanet 405, MedGen C1809471, MONDO:0018458.

Submission:

Labcorp Genetics (formerly Invitae), Labcorp
Classification: Uncertain significance for Familial hypocalciuric hypercalcemia; Autosomal dominant hypocalcemia 1. Last evaluated: 2022-10-17. Review status: criteria provided, single submitter. Criteria: Invitae Variant Classification Sherloc (09022015). Collection method: clinical testing. Allele origin: germline.
Comment: In summary, the available evidence is currently insufficient to determine the role of this variant in disease. Therefore, it has been classified as a Variant of Uncertain Significance. Algorithms developed to predict the effect of missense changes on protein structure and function are either unavailable or do not agree on the potential impact of this missense change (SIFT: "Deleterious"; PolyPhen-2: "Benign"; Align-GVGD: "Class C0"). This sequence change replaces serine, which is neutral and polar, with phenylalanine, which is neutral and non-polar, at codon 865 of the CASR protein (p.Ser865Phe). This variant is not present in population databases (gnomAD no frequency). This variant has not been reported in the literature in individuals affected with CASR-related conditions. ClinVar contains an entry for this variant (Variation ID: 1021183).

NM_000388.4(CASR):c.2594C>T (p.Ser865Phe)

Gene: CASR (calcium sensing receptor; plus strand). Cytogenetic location: 3q21.1.
Variant type: single nucleotide variant.
Coding change: c.2594C>T on transcript NM_000388.4 (MANE Select); coding-DNA position 2594, C replaced by T.
Protein change: p.Ser865Phe; replaces serine 865 with phenylalanine.
Molecular consequence: missense variant.
Genome position (GRCh38, 1-based): chr3:122,284,548, C>T. VCF-style: chr3-122284548-C-T. GRCh37 (hg19) VCF-style: chr3-122003395-C-T.
Other names: c.2624C>T, p.Ser875Phe (NM_001178065.2); short protein forms S865F, S875F.
Identifiers: ClinVar variation 1021183 (VCV001021183.9), dbSNP rs2074941438, ClinGen allele CA354160369.
Genomic context (GRCh38, chr3:122,284,548, plus strand): 5'-GCTTTGGCTTGCTGGCGTGCATCTTCTTCAACAAGATCTACATCATTCTCTTCAAGCCAT[C>T]CCGCAACACCATCGAGGAGGTGCGTTGCAGCACCGCAGCTCACGCTTTCAAGGTGGCTGC-3'
Protein context (NP_000379.3, residues 855-875): NKIYIILFKP[Ser865Phe]RNTIEEVRCS